The following is an entry in ClinVar:

ClinVar aggregate classification (germline): Uncertain significance. Review status: criteria provided, multiple submitters, no conflicts (2 of 4 stars). 2 submissions from 2 submitters: Uncertain significance (2). Last evaluated 2025-06-07.

gnomAD v4.1: 54 of 1,609,602 alleles (0.0034%); highest among the groups gnomAD compares: African/African-American, 0.035%; 1 homozygote.

Submissions (2):

Ambry Genetics
Classification: Uncertain significance. Last evaluated: 2025-06-07. Review status: criteria provided, single submitter. Criteria: Ambry Variant Classification Scheme 2023. Collection method: clinical testing. Allele origin: germline.

GeneDx
Classification: Uncertain significance. Last evaluated: 2024-12-26. Review status: criteria provided, single submitter. Criteria: GeneDx Variant Classification Process June 2021. Collection method: clinical testing. Allele origin: germline. Affected: yes.
Comment: In silico analysis supports that this missense variant does not alter protein structure/function; Has not been previously published as pathogenic or benign to our knowledge

NM_017757.3(ZNF407):c.6067C>G (p.Leu2023Val)

Gene: ZNF407 (zinc finger protein 407; plus strand). Cytogenetic location: 18q22.3.
Variant type: single nucleotide variant.
Coding change: c.6067C>G on transcript NM_017757.3 (MANE Select); coding-DNA position 6067, C replaced by G.
Protein change: p.Leu2023Val; replaces leucine 2023 with valine.
Molecular consequence: missense variant.
Genome position (GRCh38, 1-based): chr18:75,063,788, C>G. VCF-style: chr18-75063788-C-G. GRCh37 (hg19) VCF-style: chr18-72775744-C-G.
Other names: c.6067C>G, p.Leu2023Val (NM_001384475.1); short protein forms L2023V.
Identifiers: ClinVar variation 3371074 (VCV003371074.3).